The following is an entry in ClinVar:

NM_139027.6(ADAMTS13):c.49G>A (p.Gly17Arg)

Gene: ADAMTS13 (ADAM metallopeptidase with thrombospondin type 1 motif 13; plus strand). Cytogenetic location: 9q34.2.
Variant type: single nucleotide variant.
Coding change: c.49G>A on transcript NM_139027.6 (MANE Select); coding-DNA position 49, G replaced by A.
Protein change: p.Gly17Arg; replaces glycine 17 with arginine.
Molecular consequence: missense variant.
Genome position (GRCh38, 1-based): chr9:133,422,492, G>A. VCF-style: chr9-133422492-G-A. GRCh37 (hg19) VCF-style: chr9-136287612-G-A.
Other names: c.49G>A (NM_139025.3); c.49G>A, p.Gly17Arg (NM_139025.5, NM_139026.6); short protein forms G17R.
Identifiers: ClinVar variation 2969393 (VCV002969393.3), dbSNP rs1554783636, ClinGen allele CA375706701.

ClinVar aggregate classification (germline): Uncertain significance. Review status: criteria provided, multiple submitters, no conflicts (2 of 4 stars). 2 submissions from 2 submitters: Uncertain significance (2). Last evaluated 2025-11-24.

Conditions:
Inborn genetic diseases. Identifiers: MedGen C0950123, MeSH D030342.

Allele frequency attached by ClinVar (database versions not stated): TOPMed below 0.00001; gnomAD 0.00001.
gnomAD v4.1: 26 of 1,613,980 alleles (0.0016%); highest among the groups gnomAD compares: African/African-American, 0.0053%; no homozygotes.

Submissions (2):

Ambry Genetics
Classification: Uncertain significance for Inborn genetic diseases. Last evaluated: 2025-11-24. Review status: criteria provided, single submitter. Criteria: Ambry Variant Classification Scheme 2023. Collection method: clinical testing. Allele origin: germline.

Labcorp Genetics (formerly Invitae), Labcorp
Classification: Uncertain significance. Last evaluated: 2024-01-20. Review status: criteria provided, single submitter. Criteria: Invitae Variant Classification Sherloc (09022015). Collection method: clinical testing. Allele origin: germline.
Comment: This sequence change replaces glycine, which is neutral and non-polar, with arginine, which is basic and polar, at codon 17 of the ADAMTS13 protein (p.Gly17Arg). This variant is present in population databases (no rsID available, gnomAD 0.004%). This variant has not been reported in the literature in individuals affected with ADAMTS13-related conditions. An algorithm developed to predict the effect of missense changes on protein structure and function (PolyPhen-2) suggests that this variant¬¨‚Ä†is likely to be tolerated. In summary, the available evidence is currently insufficient to determine the role of this variant in disease. Therefore, it has been classified as a Variant of Uncertain Significance.